The following is an entry in ClinVar:

ClinVar aggregate classification (germline): Likely pathogenic (1 of 4 stars; one submission).

Conditions:
Sandhoff disease. Also called: GM2-GANGLIOSIDOSIS, TYPE II; HEXOSAMINIDASES A AND B DEFICIENCY; Beta-hexosaminidase-beta-subunit deficiency; GM2 gangliosidosis, type 2; Total hexosaminidase deficiency; Sandhoff-Jatzkewitz-Pilz disease. Identifiers: Orphanet 796, MedGen C0036161, MONDO:0010006, OMIM 268800.

Submission:

Natera, Inc.
Classification: Likely pathogenic for Sandhoff disease. Last evaluated: 2024-11-18. Review status: criteria provided, single submitter. Criteria: Natera Variant Classification Schema (03/2026). Collection method: clinical testing. Allele origin: germline.
Comment: The c.1088C>A variant in HEXB is a nonsense variant predicted to introduce a stop codon at amino acid 363. This variant is expected to result in nonsense mediated decay, truncation, or a dysfunctional protein product. This variant is rare in the general population with a frequency below the threshold expected for the associated phenotype(s). Given the available evidence, this variant is classified as Likely Pathogenic.

NM_000521.4(HEXB):c.1088C>A (p.Ser363Ter)

Gene: HEXB (hexosaminidase subunit beta; plus strand). Cytogenetic location: 5q13.3.
Variant type: single nucleotide variant.
Coding change: c.1088C>A on transcript NM_000521.4 (MANE Select); coding-DNA position 1088, C replaced by A.
Protein change: p.Ser363Ter; replaces serine 363 with a stop codon.
Molecular consequence: nonsense.
Genome position (GRCh38, 1-based): chr5:74,716,592, C>A. VCF-style: chr5-74716592-C-A. GRCh37 (hg19) VCF-style: chr5-74012417-C-A.
Other names: c.413C>A, p.Ser138Ter (NM_001292004.2); short protein forms S138*, S363*.
Identifiers: ClinVar variation 4814278 (VCV004814278.1).